The following is an entry in ClinVar:

ClinVar aggregate classification (germline): Pathogenic/Likely pathogenic. Review status: criteria provided, multiple submitters, no conflicts (2 of 4 stars). 3 submissions from 3 submitters: Pathogenic (2); Likely pathogenic (1). Last evaluated 2025-09-09.

Conditions:
Fanconi anemia (FA). Also called: Fanconi's anemia. Identifiers: Orphanet 84, MedGen C0015625, MeSH D005199, MONDO:0019391.
Fanconi anemia complementation group I (FANCI). Also called: FANCI-Related Fanconi Anemia. Identifiers: Orphanet 84, MedGen C1836861, MONDO:0012186, OMIM 609053.

Submissions (3):

Labcorp Genetics (formerly Invitae), Labcorp
Classification: Pathogenic for Fanconi anemia. Last evaluated: 2025-09-09. Review status: criteria provided, single submitter. Criteria: Invitae Variant Classification Sherloc (09022015). Collection method: clinical testing. Allele origin: germline.
Comment: This sequence change creates a premature translational stop signal (p.Ser782*) in the FANCI gene. It is expected to result in an absent or disrupted protein product. Loss-of-function variants in FANCI are known to be pathogenic (PMID: 17452773, 17460694). The frequency data for this variant in the population databases is considered unreliable, as metrics indicate poor data quality at this position in the gnomAD database. This variant has not been reported in the literature in individuals affected with FANCI-related conditions. ClinVar contains an entry for this variant (Variation ID: 1425245). Algorithms developed to predict the effect of sequence changes on RNA splicing suggest that this variant may disrupt the consensus splice site. For these reasons, this variant has been classified as Pathogenic.

Baylor Genetics
Classification: Likely pathogenic for Fanconi anemia complementation group I. Last evaluated: 2023-10-10. Review status: criteria provided, single submitter. Criteria: ACMG Guidelines, 2015. Collection method: clinical testing. Allele origin: unknown.

Fulgent Genetics
Classification: Pathogenic for Fanconi anemia complementation group I. Last evaluated: 2021-07-09. Review status: criteria provided, single submitter. Criteria: ACMG Guidelines, 2015. Collection method: clinical testing. Allele origin: unknown.

Literature cited by the submitters: PubMed 17452773 (cited by Labcorp Genetics (formerly Invitae), Labcorp); PubMed 17460694 (cited by Labcorp Genetics (formerly Invitae), Labcorp).

NM_001113378.2(FANCI):c.2345_2346del (p.Leu781_Ser782insTer)

Gene: FANCI (FA complementation group I; plus strand). Cytogenetic location: 15q26.1.
Variant type: Microsatellite.
Coding change: c.2345_2346del on transcript NM_001113378.2 (MANE Select); coding-DNA positions 2345 to 2346, 2 bases deleted (CT; older notation c.2345_2346delCT).
Protein change: p.Leu781_Ser782insTer.
Molecular consequence: nonsense.
Genome position (GRCh38, 1-based): chr15:89,293,886-89,293,887, CT deleted; deleting any 2 consecutive bases within chr15:89,293,882-89,293,887 gives the same sequence; the c. name uses the placement nearest the transcript's 3' end. VCF-style (leftmost placement, unchanged base first): chr15-89293881-ACT-A. GRCh37 (hg19) VCF-style: chr15-89837112-ACT-A.
Other names: c.2066_2067del, p.Leu688_Ser689insTer (NM_001376910.1); c.2345_2346del, p.Leu781_Ser782insTer (NM_001376911.1, NM_018193.3).
Identifiers: ClinVar variation 1425245 (VCV001425245.8), dbSNP rs758062617, ClinGen allele CA7723360.